The following is an entry in ClinVar:

ClinVar aggregate classification (germline): Uncertain significance. Review status: criteria provided, multiple submitters, no conflicts (2 of 4 stars). 4 submissions from 4 submitters: Uncertain significance (3). 1 of the submissions does not count toward it. Last evaluated 2025-10-01.

Conditions:
Hereditary cancer-predisposing syndrome. Also called: Neoplastic Syndromes, Hereditary; Hereditary Cancer Syndrome; Tumor predisposition; Hereditary neoplastic syndrome. Identifiers: Orphanet 140162, MedGen C0027672, MeSH D009386, MONDO:0015356.
Ataxia-telangiectasia syndrome (AT). Also called: Cerebello-oculocutaneous telangiectasia; Immunodeficiency with ataxia telangiectasia; Ataxia-telangiectasia, complementation group D; AT, COMPLEMENTATION GROUP C; Ataxia-telangiectasia, complementation group E; Ataxia-telangiectasia. Identifiers: Orphanet 100, MedGen C0004135, MONDO:0008840, OMIM 208900.

Submissions (4):

CeGaT Center for Human Genetics Tuebingen
Classification: Uncertain significance. Last evaluated: 2025-10-01. Review status: criteria provided, single submitter. Criteria: CeGaT Center For Human Genetics Tuebingen Variant Classification Criteria Version 2. Collection method: clinical testing. Allele origin: germline. Affected: yes. Observed: 1 variant allele.
Comment: ATM: PM2, BP1, BP4

Ambry Genetics
Classification: Uncertain significance for Hereditary cancer-predisposing syndrome. Last evaluated: 2025-01-21. Review status: criteria provided, single submitter. Criteria: Ambry Variant Classification Scheme 2023. Collection method: clinical testing. Allele origin: germline.
Comment: The p.R777K variant (also known as c.2330G>A), located in coding exon 14 of the ATM gene, results from a G to A substitution at nucleotide position 2330. The arginine at codon 777 is replaced by lysine, an amino acid with highly similar properties. This amino acid position is well conserved in available vertebrate species. In addition, this alteration is predicted to be tolerated by in silico analysis. Based on the available evidence, the clinical significance of this variant remains unclear.

Labcorp Genetics (formerly Invitae), Labcorp
Classification: Uncertain significance for Ataxia-telangiectasia syndrome. Last evaluated: 2022-09-16. Review status: criteria provided, single submitter. Criteria: Invitae Variant Classification Sherloc (09022015). Collection method: clinical testing. Allele origin: germline.
Comment: This sequence change replaces arginine, which is basic and polar, with lysine, which is basic and polar, at codon 777 of the ATM protein (p.Arg777Lys). This variant is not present in population databases (gnomAD no frequency). This variant has not been reported in the literature in individuals affected with ATM-related conditions. ClinVar contains an entry for this variant (Variation ID: 233478). Algorithms developed to predict the effect of missense changes on protein structure and function (SIFT, PolyPhen-2, Align-GVGD) all suggest that this variant is likely to be tolerated. In summary, the available evidence is currently insufficient to determine the role of this variant in disease. Therefore, it has been classified as a Variant of Uncertain Significance.

Natera, Inc.
Classification: Uncertain significance for Ataxia-telangiectasia. Last evaluated: 2021-10-13. Review status: no assertion criteria provided. Collection method: clinical testing. Allele origin: germline. Not counted in ClinVar's aggregate classification.

NM_000051.4(ATM):c.2330G>A (p.Arg777Lys)

Gene: ATM (ATM serine/threonine kinase; plus strand). Cytogenetic location: 11q22.3.
Variant type: single nucleotide variant.
Coding change: c.2330G>A on transcript NM_000051.4 (MANE Select); coding-DNA position 2330, G replaced by A.
Protein change: p.Arg777Lys; replaces arginine 777 with lysine.
Molecular consequence: missense variant.
Genome position (GRCh38, 1-based): chr11:108,257,560, G>A. VCF-style: chr11-108257560-G-A. GRCh37 (hg19) VCF-style: chr11-108128287-G-A.
Other names: c.2330G>A, p.Arg777Lys (NM_001351834.2); short protein forms R777K.
Identifiers: ClinVar variation 233478 (VCV000233478.24), dbSNP rs876660432, ClinGen allele CA10579051.